The following is an entry in ClinVar:

NM_000459.5(TEK):c.1947C>T (p.Asn649=)

Gene: TEK (TEK receptor tyrosine kinase; plus strand). Cytogenetic location: 9p21.2.
Variant type: single nucleotide variant.
Coding change: c.1947C>T on transcript NM_000459.5 (MANE Select); coding-DNA position 1947, C replaced by T.
Protein change: p.Asn649=; no amino-acid change (asparagine 649 retained).
Molecular consequence: synonymous variant.
Genome position (GRCh38, 1-based): chr9:27,202,857, C>T. VCF-style: chr9-27202857-C-T. GRCh37 (hg19) VCF-style: chr9-27202855-C-T.
Other names: p.Asn649=; c.1818C>T, p.Asn606= (NM_001290077.2, NM_001375476.1); c.1506C>T, p.Asn502= (NM_001290078.2); c.1947C>T, p.Asn649= (NM_001375475.1).
Identifiers: ClinVar variation 4683375 (VCV004683375.1).

ClinVar aggregate classification (germline): Likely benign (1 of 4 stars; one submission).

gnomAD v4.1: 4 of 1,613,996 alleles (0.00025%); highest among the groups gnomAD compares: Admixed American, 0.005%; no homozygotes.

Submission:

Mayo Clinic Laboratories, Mayo Clinic
Classification: Likely benign. Last evaluated: 2025-05-12. Review status: criteria provided, single submitter. Criteria: ACMG Guidelines, 2015. Collection method: clinical testing. Allele origin: germline. Observed: 1 variant allele.
Comment: BP4, BP7, PM2_supporting